The following is an entry in ClinVar:

NM_020163.3(SEMA3G):c.1263A>C (p.Arg421=)

Gene: SEMA3G (semaphorin 3G; minus strand). Cytogenetic location: 3p21.1.
Variant type: single nucleotide variant.
Coding change: c.1263A>C on transcript NM_020163.3 (MANE Select); coding-DNA position 1263, A replaced by C.
Protein change: p.Arg421=; no amino-acid change (arginine 421 retained).
Molecular consequence: synonymous variant.
Genome position (GRCh38, 1-based): chr3:52,439,979, T>G on the plus strand (A>C on the coding strand, the complement: SEMA3G is on the minus strand). VCF-style: chr3-52439979-T-G. GRCh37 (hg19) VCF-style: chr3-52473995-T-G.
Identifiers: ClinVar variation 3355028 (VCV003355028.1).
Genomic context (GRCh38, chr3:52,439,979, plus strand): 5'-CACCACGATCTGGTGTAGCTGCTGGGCCAGGTGGGTCTTGACAAGGACAGGGCGGCCATG[T>G]CGAGGCCGCACAGGCCAGAACATGAGGGGGTGGGCTCGGGCAAACTGCAGCACCTCATCT-3'
Protein context (NP_064548.1, residues 411-431): HPLMFWPVRP[Arg421=]HGRPVLVKTH

ClinVar aggregate classification (germline): Likely benign (0 of 4 stars; one submission).

Conditions:
SEMA3G-related disorder. Also called: SEMA3G-related condition.

gnomAD v4.1: 10 of 1,613,600 alleles (0.00062%); highest among the groups gnomAD compares: African/African-American, 0.013%; no homozygotes.

Submission:

PreventionGenetics, part of Exact Sciences
Classification: Likely benign for SEMA3G-related condition. Last evaluated: 2022-02-23. Review status: no assertion criteria provided. Collection method: clinical testing. Allele origin: germline.
Comment: This variant is classified as likely benign based on ACMG/AMP sequence variant interpretation guidelines (Richards et al. 2015 PMID: 25741868, with internal and published modifications).